The following is an entry in ClinVar:

ClinVar aggregate classification (germline): Uncertain significance. Review status: criteria provided, single submitter (1 of 4 stars). 3 submissions from 3 submitters: Uncertain significance (1). 2 of the submissions do not count toward it. Last evaluated 2025-11-09.

Conditions:
ANKRD1-related dilated cardiomyopathy. Identifiers: MedGen CN119551.
Congenital total pulmonary venous return anomaly (TAPVR1). Also called: TOTAL ANOMALOUS PULMONARY VENOUS RETURN 1; Total anomalous pulmonary venous return. Identifiers: Orphanet 99125, MedGen C4551903, MONDO:0007130, OMIM 106700, HP:0005160.

Allele frequency attached by ClinVar (database versions not stated): gnomAD 0.00001; gnomAD exomes 0.00001 and 0.00002; TOPMed 0.00001; ExAC 0.00002; ESP Exome Variant Server 0.00008.
gnomAD v4.1: 5 of 1,613,638 alleles (0.00031%); highest among the groups gnomAD compares: Admixed American, 0.0017%; no homozygotes.

Submissions (3):

Labcorp Genetics (formerly Invitae), Labcorp
Classification: Uncertain significance for ANKRD1-related dilated cardiomyopathy. Last evaluated: 2025-11-09. Review status: criteria provided, single submitter. Criteria: Invitae Variant Classification Sherloc (09022015). Collection method: clinical testing. Allele origin: germline.
Comment: This sequence change replaces histidine, which is basic and polar, with arginine, which is basic and polar, at codon 237 of the ANKRD1 protein (p.His237Arg). This variant is present in population databases (rs145326465, gnomAD 0.003%). This variant has not been reported in the literature in individuals affected with ANKRD1-related conditions. ClinVar contains an entry for this variant (Variation ID: 518231). Invitae Evidence Modeling of protein sequence and biophysical properties (such as structural, functional, and spatial information, amino acid conservation, physicochemical variation, residue mobility, and thermodynamic stability) indicates that this missense variant is not expected to disrupt ANKRD1 protein function with a negative predictive value of 80%. In summary, the available evidence is currently insufficient to determine the role of this variant in disease. Therefore, it has been classified as a Variant of Uncertain Significance.

Clinical Genetics, Academic Medical Center
Classification: Uncertain significance. Review status: no assertion criteria provided. Collection method: clinical testing. Allele origin: germline. Affected: yes. Study: VKGL Data-share Consensus. Not counted in ClinVar's aggregate classification.

Diagnostic Laboratory, Department of Genetics, University Medical Center Groningen
Classification: Uncertain significance for Congenital total pulmonary venous return anomaly. Review status: no assertion criteria provided. Collection method: clinical testing. Allele origin: germline. Affected: yes. Study: VKGL Data-share Consensus. Not counted in ClinVar's aggregate classification.

NM_014391.3(ANKRD1):c.710A>G (p.His237Arg)

Gene: ANKRD1 (ankyrin repeat domain 1; minus strand). Cytogenetic location: 10q23.31.
Variant type: single nucleotide variant.
Coding change: c.710A>G on transcript NM_014391.3 (MANE Select); coding-DNA position 710, A replaced by G.
Protein change: p.His237Arg; replaces histidine 237 with arginine.
Molecular consequence: missense variant.
Genome position (GRCh38, 1-based): chr10:90,915,822, T>C on the plus strand (A>G on the coding strand, the complement: ANKRD1 is on the minus strand). VCF-style: chr10-90915822-T-C. GRCh37 (hg19) VCF-style: chr10-92675579-T-C.
Other names: short protein forms H237R.
Identifiers: ClinVar variation 518231 (VCV000518231.4), dbSNP rs145326465, ClinGen allele CA5598644.